The following is an entry in ClinVar:

NM_012281.3(KCND2):c.13G>A (p.Val5Met)

Gene: KCND2 (potassium voltage-gated channel subfamily D member 2; plus strand). Cytogenetic location: 7q31.31.
Variant type: single nucleotide variant.
Coding change: c.13G>A on transcript NM_012281.3 (MANE Select); coding-DNA position 13, G replaced by A.
Protein change: p.Val5Met; replaces valine 5 with methionine.
Molecular consequence: missense variant.
Genome position (GRCh38, 1-based): chr7:120,274,645, G>A. VCF-style: chr7-120274645-G-A. GRCh37 (hg19) VCF-style: chr7-119914699-G-A.
Other names: short protein forms V5M.
Identifiers: ClinVar variation 2285567 (VCV002285567.5), dbSNP rs761430149, ClinGen allele CA4453442.

ClinVar aggregate classification (germline): Uncertain significance. Review status: criteria provided, multiple submitters, no conflicts (2 of 4 stars). 2 submissions from 2 submitters: Uncertain significance (2). Last evaluated 2023-03-04.

Conditions:
Inborn genetic diseases. Identifiers: MedGen C0950123, MeSH D030342.
Early Myoclonic Encephalopathy. Identifiers: MedGen C0270855.

Allele frequency attached by ClinVar (database versions not stated): gnomAD exomes below 0.00001; ExAC 0.00001; gnomAD 0.00001.
gnomAD v4.1: 4 of 1,613,950 alleles (0.00025%); highest among the groups gnomAD compares: African/African-American, 0.0053%; no homozygotes.

Submissions (2):

Labcorp Genetics (formerly Invitae), Labcorp
Classification: Uncertain significance for Early Myoclonic Encephalopathy. Last evaluated: 2023-03-04. Review status: criteria provided, single submitter. Criteria: Invitae Variant Classification Sherloc (09022015). Collection method: clinical testing. Allele origin: germline.
Comment: This sequence change replaces valine, which is neutral and non-polar, with methionine, which is neutral and non-polar, at codon 5 of the KCND2 protein (p.Val5Met). This variant is present in population databases (rs761430149, gnomAD 0.007%). This variant has not been reported in the literature in individuals affected with KCND2-related conditions. ClinVar contains an entry for this variant (Variation ID: 2285567). Advanced modeling of protein sequence and biophysical properties (such as structural, functional, and spatial information, amino acid conservation, physicochemical variation, residue mobility, and thermodynamic stability) performed at Invitae indicates that this missense variant is not expected to disrupt KCND2 protein function. In summary, the available evidence is currently insufficient to determine the role of this variant in disease. Therefore, it has been classified as a Variant of Uncertain Significance.

Ambry Genetics
Classification: Uncertain significance for Inborn genetic diseases. Last evaluated: 2022-04-25. Review status: criteria provided, single submitter. Criteria: Ambry Variant Classification Scheme 2023. Collection method: clinical testing. Allele origin: germline.